The following is an entry in ClinVar:

ClinVar aggregate classification (germline): Benign. Review status: criteria provided, multiple submitters, no conflicts (2 of 4 stars). 2 submissions from 2 submitters: Benign (2). Last evaluated 2018-06-19.

Allele frequency attached by ClinVar (database versions not stated): gnomAD exomes 0.11507; 1000 Genomes Project 0.11861; 1000 Genomes Project 30x 0.12164; gnomAD 0.12239 and 0.12245; TOPMed 0.12427.
gnomAD v4.1: 116,107 of 1,000,092 alleles (12%); highest among the groups gnomAD compares: Middle Eastern, 18%; 7,273 homozygotes.

Submissions (2):

GeneDx
Classification: Benign. Last evaluated: 2018-06-19. Review status: criteria provided, single submitter. Criteria: GeneDx Variant Classification (06012015). Collection method: clinical testing. Allele origin: germline. Affected: yes.
Comment: This variant is considered likely benign or benign based on one or more of the following criteria: it is a conservative change, it occurs at a poorly conserved position in the protein, it is predicted to be benign by multiple in silico algorithms, and/or has population frequency not consistent with disease.

Breakthrough Genomics
Classification: Benign. Review status: criteria provided, single submitter. Criteria: ACMG Guidelines, 2015. Collection method: not provided. Allele origin: germline. Inheritance: Autosomal recessive inheritance. Affected: yes.

NM_004369.4(COL6A3):c.6538-112G>A

Gene: COL6A3 (collagen type VI alpha 3 chain; minus strand). Cytogenetic location: 2q37.3.
Variant type: single nucleotide variant.
Coding change: c.6538-112G>A on transcript NM_004369.4 (MANE Select); 112 bases into the intron before coding-DNA position 6538, G replaced by A.
Molecular consequence: intron variant.
Genome position (GRCh38, 1-based): chr2:237,357,503, C>T on the plus strand (G>A on the coding strand, the complement: COL6A3 is on the minus strand). VCF-style: chr2-237357503-C-T. GRCh37 (hg19) VCF-style: chr2-238266146-C-T.
Other names: c.4717-112G>A (NM_057166.5); c.5920-112G>A (NM_057167.4).
Identifiers: ClinVar variation 681264 (VCV000681264.2), dbSNP rs2645777, ClinGen allele CA11175399.
Genomic context (GRCh38, chr2:237,357,503, plus strand): 5'-AGCTCTGAAATGCTGCACAAGACATTGCAGGGAAAGGGGTCGATTCACAGAGGAAGAGCC[C>T]GTCTGCAGGACAGTTGCACACTTTGCAGGATGCACCGGACTTCAGTACACTCCCACCTCT-3'